The following is an entry in ClinVar:

ClinVar aggregate classification (germline): Uncertain significance (1 of 4 stars; one submission).

Conditions:
Hyperkalemic periodic paralysis. Also called: Familial hyperkalemic periodic paralysis; Gamstorp disease. Identifiers: Orphanet 682, MedGen C0238357, MONDO:0008224, OMIM 170500, HP:0007215.

gnomAD v4.1: 57 of 1,516,092 alleles (0.0038%); highest among the groups gnomAD compares: Middle Eastern, 0.017%; no homozygotes.

Submission:

Labcorp Genetics (formerly Invitae), Labcorp
Classification: Uncertain significance for Hyperkalemic periodic paralysis. Last evaluated: 2025-11-03. Review status: criteria provided, single submitter. Criteria: Invitae Variant Classification Sherloc (09022015). Collection method: clinical testing. Allele origin: germline.
Comment: This sequence change falls in intron 3 of the SCN4A gene. It does not directly change the encoded amino acid sequence of the SCN4A protein. It affects a nucleotide within the consensus splice site. The frequency data for this variant in the population databases is considered unreliable, as metrics indicate poor data quality at this position in the gnomAD database. This variant has not been reported in the literature in individuals affected with SCN4A-related conditions. ClinVar contains an entry for this variant (Variation ID: 1490883). Variants that disrupt the consensus splice site are a relatively common cause of aberrant splicing (PMID: 17576681, 9536098). Algorithms developed to predict the effect of sequence changes on RNA splicing suggest that this variant is not likely to affect RNA splicing. In summary, the available evidence is currently insufficient to determine the role of this variant in disease. Therefore, it has been classified as a Variant of Uncertain Significance.

Literature cited by the submitters: PubMed 17576681; PubMed 9536098.

NM_000334.4(SCN4A):c.483-3C>A

Gene: SCN4A (sodium voltage-gated channel alpha subunit 4; minus strand). Cytogenetic location: 17q23.3.
Variant type: single nucleotide variant.
Coding change: c.483-3C>A on transcript NM_000334.4 (MANE Select); 3 bases into the intron before coding-DNA position 483, C replaced by A.
Molecular consequence: intron variant.
Genome position (GRCh38, 1-based): chr17:63,971,853, G>T on the plus strand (C>A on the coding strand, the complement: SCN4A is on the minus strand). VCF-style: chr17-63971853-G-T. GRCh37 (hg19) VCF-style: chr17-62049213-G-T.
Identifiers: ClinVar variation 1490883 (VCV001490883.6), dbSNP rs759754258, ClinGen allele CA8710131.